The following is an entry in ClinVar:

ClinVar aggregate classification (germline): Benign (3 of 4 stars; one submission).

Conditions:
Breast-ovarian cancer, familial, susceptibility to, 1 (BROVCA1). Also called: BRCA1 Hereditary Breast and Ovarian Cancer; OVARIAN CANCER, SUSCEPTIBILITY TO. Identifiers: Orphanet 145, MedGen C2676676, MONDO:0011450, OMIM 604370. Disease mechanism: loss of function.

Submission:

Evidence-based Network for the Interpretation of Germline Mutant Alleles (ENIGMA)
Classification: Benign for Breast-ovarian cancer, familial, susceptibility to, 1. Last evaluated: 2016-09-28. Review status: reviewed by expert panel. Criteria: ENIGMA BRCA1/2 Classification Criteria (2015). Collection method: curation. Allele origin: germline.
Comment: Class 1 not pathogenic based on frequency >1% in an outbred sampleset. Frequency 0.2256 (European), 0.1354 (African), 0.2651 (Admixed American/Latino), 0.2411 (East Asian), 0.3538 (South Asian), derived from 1000 genomes (2013-05-02).

NM_007294.4(BRCA1):c.442-702AT[5]

Gene: BRCA1 (BRCA1 DNA repair associated; minus strand). Cytogenetic location: 17q21.31.
Variant type: Microsatellite.
Coding change: c.442-702AT[5] on transcript NM_007294.4 (MANE Select); five copies in a row of the 2-base unit AT starting at c.442-702; the reference has four copies in a row; one copy, 2 bases duplicated.
Molecular consequence: intron variant.
Genome position (GRCh38, 1-based): chr17:43,100,575-43,100,576, AT duplicated on the plus strand (AT on the coding strand, the reverse complement: BRCA1 is on the minus strand); duplicating any 2 consecutive bases within chr17:43,100,575-43,100,583 gives the same sequence; the position shown is the placement nearest the transcript's 3' end. VCF-style (leftmost placement, unchanged base first): chr17-43100574-C-CAT. GRCh37 (hg19) VCF-style: chr17-41252591-C-CAT.
Other names: IVS 7-695insAT; c.442-696_442-695dup (NM_007294.3); c.301-702AT[5] (NM_001408458.1, NM_001407922.1, NM_001408469.1 and 61 more transcripts); c.-218-5722AT[5] (NM_001407967.1, NM_001407966.1); c.61-702AT[5] (NM_001407959.1, NM_001408512.1, NM_001408510.1 and 3 more transcripts); c.301-705AT[5] (NM_001407931.1, NM_001407747.1, NM_001408470.1 and 35 more transcripts); c.61-705AT[5] (NM_001407962.1); c.232-702AT[5] (NM_001407885.1, NM_001407886.1, NM_001407881.1 and 37 more transcripts); and 7 more.
Identifiers: ClinVar variation 264796 (VCV000264796.2), dbSNP rs200639029, ClinGen allele CA276438.
Genomic context (GRCh38, chr17:43,100,574, plus strand): 5'-GTGTGTGTGTGTATATATATATACATATATATGTGTGTGTGTGTGTATATATATATATAA[C>CAT]ATATATATAACATATATATATTATATATATATAACATATATATAACATATATATATGTTA-3'